The following is an entry in ClinVar:

NM_000377.3(WAS):c.184G>T (p.Glu62Ter)

Gene: WAS (WASP actin nucleation promoting factor; plus strand). Cytogenetic location: Xp11.23.
Variant type: single nucleotide variant.
Coding change: c.184G>T on transcript NM_000377.3 (MANE Select); coding-DNA position 184, G replaced by T.
Protein change: p.Glu62Ter; replaces glutamic acid 62 with a stop codon.
Molecular consequence: nonsense.
Genome position (GRCh38, 1-based): chrX:48,684,334, G>T. VCF-style: chrX-48684334-G-T. GRCh37 (hg19) VCF-style: chrX-48542723-G-T.
Other names: c.184G>T, p.Glu62Ter (NM_001438879.1, NM_001438876.1, NM_001438877.1 and 1 more transcripts); short protein forms E62*.
Identifiers: ClinVar variation 5007564 (VCV005007564.2).

ClinVar aggregate classification (germline): Likely pathogenic (1 of 4 stars; one submission).

Conditions:
X-linked severe congenital neutropenia (SCNX). Identifiers: Orphanet 86788, MedGen C1845987, MONDO:0010294, OMIM 300299.
Wiskott-Aldrich syndrome (WAS). Also called: ALDRICH SYNDROME; IMMUNODEFICIENCY 2; Wiskott-aldrich syndrome, somatic; WISKOTT-ALDRICH SYNDROME 1. Identifiers: Orphanet 906, MedGen C0043194, MONDO:0010518, OMIM 301000.
Thrombocytopenia 1. Also called: THROMBOCYTOPENIA, X-LINKED, 1; X-linked thrombocytopenia with normal platelets; X-Linked Thrombocytopenia (XLT). Identifiers: Orphanet 268322, Orphanet 852, MedGen C1839163, MONDO:0010743, OMIM 313900.

Submission:

Juno Genomics, Hangzhou Juno Genomics, Inc
Classification: Likely pathogenic for X-linked severe congenital neutropenia; Thrombocytopenia 1; Wiskott-Aldrich syndrome. Review status: criteria provided, single submitter. Criteria: ACMG Guidelines, 2015. Collection method: clinical testing. Allele origin: germline.
Comment: Null variant in a gene where loss of function (LOF) is a known mechanism of disease.;Absent from controls (or at extremely low frequency if recessive) in Genome Aggregation Database.